The following is an entry in ClinVar:

ClinVar aggregate classification (germline): Uncertain significance (1 of 4 stars; one submission).

Allele frequency attached by ClinVar (database versions not stated): gnomAD exomes below 0.00001 and 0.00001; gnomAD 0.00001; TOPMed 0.00001; ExAC 0.00001.
gnomAD v4.1: 7 of 1,613,828 alleles (0.00043%); no homozygotes.

Submission:

Labcorp Genetics (formerly Invitae), Labcorp
Classification: Uncertain significance. Last evaluated: 2025-07-23. Review status: criteria provided, single submitter. Criteria: Invitae Variant Classification Sherloc (09022015). Collection method: clinical testing. Allele origin: germline.
Comment: This sequence change replaces glycine, which is neutral and non-polar, with aspartic acid, which is acidic and polar, at codon 58 of the MYLK3 protein (p.Gly58Asp). This variant is present in population databases (rs764891090, gnomAD 0.01%). This variant has not been reported in the literature in individuals affected with MYLK3-related conditions. ClinVar contains an entry for this variant (Variation ID: 1365081). An algorithm developed to predict the effect of missense changes on protein structure and function outputs the following: PolyPhen-2: "Benign". The aspartic acid amino acid residue is found in multiple mammalian species, which suggests that this missense change does not adversely affect protein function. In summary, the available evidence is currently insufficient to determine the role of this variant in disease. Therefore, it has been classified as a Variant of Uncertain Significance.

NM_182493.3(MYLK3):c.173G>A (p.Gly58Asp)

Gene: MYLK3 (myosin light chain kinase 3; minus strand). Cytogenetic location: 16q11.2.
Variant type: single nucleotide variant.
Coding change: c.173G>A on transcript NM_182493.3 (MANE Select); coding-DNA position 173, G replaced by A.
Protein change: p.Gly58Asp; replaces glycine 58 with aspartic acid.
Molecular consequence: missense variant. On other transcripts: intron variant (1).
Genome position (GRCh38, 1-based): chr16:46,748,021, C>T on the plus strand (G>A on the coding strand, the complement: MYLK3 is on the minus strand). VCF-style: chr16-46748021-C-T. GRCh37 (hg19) VCF-style: chr16-46781933-C-T.
Other names: c.-113-7874G>A (NM_001308301.1); short protein forms G58D.
Identifiers: ClinVar variation 1365081 (VCV001365081.6), dbSNP rs764891090, ClinGen allele CA8038310.